The following is an entry in ClinVar:

ClinVar aggregate classification (germline): Pathogenic. Review status: criteria provided, multiple submitters, no conflicts (2 of 4 stars). 14 submissions from 14 submitters: Pathogenic (12). 2 of the submissions do not count toward it. Last evaluated 2026-05-07.

Conditions:
MYOT-related disorder. Also called: MYOT-related condition.
Distal myopathy. Identifiers: Orphanet 599, MedGen C0751336, MONDO:0018949.
Myofibrillar myopathy. Identifiers: Orphanet 593, MedGen C2678065, MONDO:0018943, HP:0003715.
Myofibrillar myopathy 3 (MFM3). Also called: Muscular dystrophy, proximal, type 1A; Autosomal dominant spheroid body myopathy. Identifiers: Orphanet 266, Orphanet 268129, MedGen C3714934, MONDO:0012215, OMIM 609200.

gnomAD v4.1: 13 of 1,614,186 alleles (0.00081%); highest among the groups gnomAD compares: Non-Finnish European, 0.00093%; no homozygotes.

Submissions (14):

Women's Health and Genetics/Laboratory Corporation of America, LabCorp
Classification: Pathogenic for Myofibrillar myopathy 3. Last evaluated: 2026-05-07. Review status: criteria provided, single submitter. Criteria: LabCorp Variant Classification Summary - May 2015. Collection method: clinical testing. Allele origin: germline.
Comment: Variant summary: MYOT c.179C>G (p.Ser60Cys) results in a non-conservative amino acid change in the encoded protein sequence. Algorithms developed to predict the effect of missense changes on protein structure and function are either unavailable or do not agree on the potential impact of this missense change. The variant was absent in 249028 control chromosomes. c.179C>G has been observed in multiple individuals affected with Myofibrillar myopathy 3 (Selcen_2004, Olive_2011, Gonzalez-Quereda_2020). These data indicate that the variant is very likely to be associated with disease. Two publications report experimental evidence evaluating an impact on protein function (von Nandelstadh_2011, Keduka_2012). One study shows significantly reduced protein degredation and accumulation of myotilin in cells expressing this variant and the other study reports that in vivo electroporation of this variant in mouse tibialis anterior muscle results in marked detergent insolubility in electroporated mouse muscle, similar to that observed in human MFM muscle with the same mutation. The following publications have been ascertained in the context of this evaluation (PMID: 32403337, 22349301, 21676617, 15111675, 21361873). ClinVar contains an entry for this variant (Variation ID: 5836). Based on the evidence outlined above, the variant was classified as pathogenic.

Labcorp Genetics (formerly Invitae), Labcorp
Classification: Pathogenic for Myofibrillar myopathy 3. Last evaluated: 2026-01-17. Review status: criteria provided, single submitter. Criteria: Invitae Variant Classification Sherloc (09022015). Collection method: clinical testing. Allele origin: germline.
Comment: This sequence change replaces serine, which is neutral and polar, with cysteine, which is neutral and slightly polar, at codon 60 of the MYOT protein (p.Ser60Cys). This variant is not present in population databases (gnomAD no frequency). This missense change has been observed in individuals with myofibrillar myopathy (PMID: 15111675, 16684602, 19225410, 21676617, 22349301, 26842778). ClinVar contains an entry for this variant (Variation ID: 5836). Invitae Evidence Modeling of protein sequence and biophysical properties (such as structural, functional, and spatial information, amino acid conservation, physicochemical variation, residue mobility, and thermodynamic stability) indicates that this missense variant is expected to disrupt MYOT protein function with a positive predictive value of 80%. Experimental studies have shown that this missense change affects MYOT function (PMID: 21361873, 22349301). This variant disrupts the p.Ser60 amino acid residue in MYOT. Other variant(s) that disrupt this residue have been determined to be pathogenic (PMID: 16684602, 16793270, 19590214, 26842778). This suggests that this residue is clinically significant, and that variants that disrupt this residue are likely to be disease-causing. For these reasons, this variant has been classified as Pathogenic.

Revvity Omics, Revvity
Classification: Pathogenic for Myofibrillar myopathy 3. Last evaluated: 2025-07-02. Review status: criteria provided, single submitter. Criteria: ACMG Guidelines, 2015. Collection method: clinical testing. Allele origin: germline.

GeneDx
Classification: Pathogenic. Last evaluated: 2025-06-18. Review status: criteria provided, single submitter. Criteria: GeneDx Variant Classification Process June 2021. Collection method: clinical testing. Allele origin: germline. Affected: yes.
Comment: Published functional studies demonstrate reduced degradation of myotilin (PMID: 21361873, 22349301); Not observed at significant frequency in large population cohorts (gnomAD); Missense variants in this gene are a common cause of disease and they are underrepresented in the general population; In silico analysis suggests that this missense variant does not alter protein structure/function; This variant is associated with the following publications: (PMID: 34440373, 31561939, 22349301, 15947064, 15111675, 27618136, 21361873, 32403337, 32041727, 22021208, 26842778, 21676617)

Mayo Clinic Laboratories, Mayo Clinic
Classification: Pathogenic. Last evaluated: 2024-11-04. Review status: criteria provided, single submitter. Criteria: ACMG Guidelines, 2015. Collection method: clinical testing. Allele origin: germline. Observed: 5 variant alleles.
Comment: PM2_supporting, PS3, PS4_moderate

Blueprint Genetics
Classification: Pathogenic for MYOT-related disorders. Last evaluated: 2023-09-18. Review status: criteria provided, single submitter. Criteria: ACMG Guidelines, 2015. Collection method: clinical testing. Allele origin: germline. Affected: yes. Observed: 3 variant alleles.

Fulgent Genetics
Classification: Pathogenic for Myofibrillar myopathy 3. Last evaluated: 2021-09-18. Review status: criteria provided, single submitter. Criteria: ACMG Guidelines, 2015. Collection method: clinical testing. Allele origin: unknown.

CENTOGENE GmbH and LLC - Guiding Precision Medicine
Classification: Pathogenic for Myofibrillar myopathy 3. Last evaluated: 2020-09-21. Review status: criteria provided, single submitter. Criteria: ACMG Guidelines, 2015. Collection method: clinical testing. Allele origin: germline. Affected: yes.

Cambridge Genomics Laboratory, East Genomic Laboratory Hub, NHS Genomic Medicine Service
Classification: Pathogenic for Distal myopathy. Last evaluated: 2019-04-17. Review status: criteria provided, single submitter. Criteria: ACGS Best Practice Guidelines for Variant Classification in Rare Disease 2020. Collection method: clinical testing. Allele origin: germline. Affected: yes. Observed: 1 variant allele.

Eurofins Ntd Llc (ga)
Classification: Pathogenic. Last evaluated: 2017-10-13. Review status: criteria provided, single submitter. Criteria: EGL Classification Definitions 2015. Collection method: clinical testing. Allele origin: germline. Observed: 19 variant alleles, 19 heterozygotes.

Athena Diagnostics
Classification: Pathogenic. Last evaluated: 2017-09-07. Review status: criteria provided, single submitter. Criteria: Athena Diagnostics Criteria. Collection method: clinical testing. Allele origin: unknown.
Comment: This variant has not been reported in large, multi-ethnic general populations. This variant has been identified in multiple unrelated individuals with clinical features associated with this gene. At least one other missense variant at this codon is considered to be pathogenic or likely pathogenic, suggesting this variant may also cause disease. Assessment of experimental evidence suggests this variant results in abnormal protein function. This variant affected protein organization in muscle cells (PMID: 22349301).

Clinical Genetics Service, Universitary Hospital 12 de Octubre
Classification: Pathogenic for Myofibrillar myopathy 3. Review status: criteria provided, single submitter. Criteria: ACMG Guidelines, 2015. Collection method: clinical testing. Allele origin: germline. Affected: yes.

Mitochondrial Research Group, Newcastle University
Classification: Pathogenic for Myofibrillar myopathy. Last evaluated: 2016-08-16. Review status: no assertion criteria provided. Collection method: clinical testing. Allele origin: unknown. Affected: yes. Observed: 2 variant alleles. Not counted in ClinVar's aggregate classification.

OMIM
Classification: Pathogenic for MYOPATHY, MYOFIBRILLAR, 3. Last evaluated: 2004-04-27. Review status: no assertion criteria provided. Collection method: literature only. Allele origin: germline. Not counted in ClinVar's aggregate classification.

Literature cited by the submitters: PubMed 32403337 (cited by Women's Health and Genetics/Laboratory Corporation of America, LabCorp); PubMed 22349301 (cited by 3 submitters); PubMed 21676617 (cited by 4 submitters); PubMed 15111675 (cited by 4 submitters); PubMed 21361873 (cited by 3 submitters); PubMed 16684602 (cited by Labcorp Genetics (formerly Invitae), Labcorp); PubMed 19225410 (cited by Labcorp Genetics (formerly Invitae), Labcorp); PubMed 26842778 (cited by Labcorp Genetics (formerly Invitae), Labcorp and Athena Diagnostics); PubMed 16793270 (cited by Labcorp Genetics (formerly Invitae), Labcorp); PubMed 19590214 (cited by Labcorp Genetics (formerly Invitae), Labcorp); PubMed 15947064 (cited by Athena Diagnostics); PubMed 17931355 (cited by Athena Diagnostics); PubMed 17784878 (cited by Athena Diagnostics); PubMed 27618136 (cited by Athena Diagnostics); PubMed 22021208 (cited by Athena Diagnostics); DOI 10.1016/j.nmd.2016.08.004 (cited by Mitochondrial Research Group, Newcastle University).

NM_006790.3(MYOT):c.179C>G (p.Ser60Cys)

Genes: MYOT (myotilin; plus strand), PKD2L2-DT (PKD2L2 divergent transcript; minus strand). Cytogenetic location: 5q31.2.
Variant type: single nucleotide variant.
Coding change: c.179C>G on transcript NM_006790.3 (MANE Select); coding-DNA position 179, C replaced by G.
Protein change: p.Ser60Cys; replaces serine 60 with cysteine.
Molecular consequence: missense variant. On other transcripts: intron variant (2).
Genome position (GRCh38, 1-based): chr5:137,870,830, C>G. VCF-style: chr5-137870830-C-G. GRCh37 (hg19) VCF-style: chr5-137206519-C-G.
Other names: c.-120-47C>G (NM_001300911.2); c.-197+305C>G (NM_001135940.2); short protein forms S60C.
Identifiers: ClinVar variation 5836 (VCV000005836.34), dbSNP rs121908458, ClinGen allele CA253620.